The following is an entry in ClinVar:

ClinVar aggregate classification (germline): Uncertain significance. Review status: criteria provided, multiple submitters, no conflicts (2 of 4 stars). 2 submissions from 2 submitters: Uncertain significance (2). Last evaluated 2025-03-18.

Conditions:
Autosomal dominant nonsyndromic hearing loss 1. Also called: DEAFNESS, AUTOSOMAL DOMINANT 1, WITH OR WITHOUT THROMBOCYTOPENIA; KONIGSMARK SYNDROME. Identifiers: Orphanet 90635, MedGen C1852282, MONDO:0007424, OMIM 124900.
Progressive microcephaly-seizures-cortical blindness-developmental delay syndrome. Also called: Seizures, cortical blindness, and microcephaly syndrome. Identifiers: Orphanet 477814, MedGen C5567650, MONDO:0014714, OMIM 616632.

Allele frequency attached by ClinVar (database versions not stated): TOPMed 0.00001; ExAC 0.00002; gnomAD 0.00002.
gnomAD v4.1: 18 of 1,613,946 alleles (0.0011%); highest among the groups gnomAD compares: African/African-American, 0.0027%; no homozygotes.

Submissions (2):

Labcorp Genetics (formerly Invitae), Labcorp
Classification: Uncertain significance for Progressive microcephaly-seizures-cortical blindness-developmental delay syndrome; Autosomal dominant nonsyndromic hearing loss 1. Last evaluated: 2025-03-18. Review status: criteria provided, single submitter. Criteria: Invitae Variant Classification Sherloc (09022015). Collection method: clinical testing. Allele origin: germline.
Comment: This sequence change replaces proline, which is neutral and non-polar, with leucine, which is neutral and non-polar, at codon 270 of the DIAPH1 protein (p.Pro270Leu). This variant is present in population databases (rs771425207, gnomAD 0.01%). This variant has not been reported in the literature in individuals affected with DIAPH1-related conditions. ClinVar contains an entry for this variant (Variation ID: 2070767). Experimental studies and prediction algorithms are not available or were not evaluated, and the functional significance of this variant is currently unknown. In summary, the available evidence is currently insufficient to determine the role of this variant in disease. Therefore, it has been classified as a Variant of Uncertain Significance.

GeneDx
Classification: Uncertain significance. Last evaluated: 2023-11-30. Review status: criteria provided, single submitter. Criteria: GeneDx Variant Classification Process June 2021. Collection method: clinical testing. Allele origin: germline. Affected: yes.
Comment: In silico analysis supports that this missense variant has a deleterious effect on protein structure/function; Has not been previously published as pathogenic or benign to our knowledge

NM_005219.5(DIAPH1):c.809C>T (p.Pro270Leu)

Gene: DIAPH1 (diaphanous related formin 1; minus strand). Cytogenetic location: 5q31.3.
Variant type: single nucleotide variant.
Coding change: c.809C>T on transcript NM_005219.5 (MANE Select); coding-DNA position 809, C replaced by T.
Protein change: p.Pro270Leu; replaces proline 270 with leucine.
Molecular consequence: missense variant.
Genome position (GRCh38, 1-based): chr5:141,580,759, G>A on the plus strand (C>T on the coding strand, the complement: DIAPH1 is on the minus strand). VCF-style: chr5-141580759-G-A. GRCh37 (hg19) VCF-style: chr5-140960326-G-A.
Other names: c.782C>T, p.Pro261Leu (NM_001079812.3); c.809C>T, p.Pro270Leu (NM_001314007.2); c.809C>T (NM_005219.4); short protein forms P261L, P270L.
Identifiers: ClinVar variation 2070767 (VCV002070767.5), dbSNP rs771425207, ClinGen allele CA3479486.